The following is an entry in ClinVar:

ClinVar aggregate classification (germline): Uncertain significance. Review status: criteria provided, multiple submitters, no conflicts (2 of 4 stars). 2 submissions from 2 submitters: Uncertain significance (2). Last evaluated 2024-04-26.

Conditions:
Familial cancer of breast. Also called: hereditary breast carcinoma; BREAST CANCER, FAMILIAL; Hereditary breast cancer. Identifiers: Orphanet 227535, MedGen C0346153, MONDO:0016419, OMIM 114480. Disease mechanism: loss of function.
Fanconi anemia complementation group J. Also called: BRIP1-Related Fanconi Anemia. Identifiers: Orphanet 84, MedGen C1836860, MONDO:0012187, OMIM 609054.
Hereditary cancer-predisposing syndrome. Also called: Tumor predisposition; Hereditary neoplastic syndrome; Neoplastic Syndromes, Hereditary; Hereditary Cancer Syndrome. Identifiers: Orphanet 140162, MedGen C0027672, MeSH D009386, MONDO:0015356.

Allele frequency attached by ClinVar (database versions not stated): gnomAD exomes below 0.00001.
gnomAD v4.1: 4 of 1,608,730 alleles (0.00025%); highest among the groups gnomAD compares: Non-Finnish European, 0.00034%; no homozygotes.

Submissions (2):

Ambry Genetics
Classification: Uncertain significance for Hereditary cancer-predisposing syndrome. Last evaluated: 2024-04-26. Review status: criteria provided, single submitter. Criteria: Ambry Variant Classification Scheme 2023. Collection method: clinical testing. Allele origin: germline.
Comment: The p.K479E variant (also known as c.1435A>G), located in coding exon 9 of the BRIP1 gene, results from an A to G substitution at nucleotide position 1435. The lysine at codon 479 is replaced by glutamic acid, an amino acid with similar properties. This amino acid position is conserved. In addition, this alteration is predicted to be tolerated by in silico analysis. Based on the available evidence, the clinical significance of this variant remains unclear.

Labcorp Genetics (formerly Invitae), Labcorp
Classification: Uncertain significance for Familial cancer of breast; Fanconi anemia complementation group J. Last evaluated: 2020-05-03. Review status: criteria provided, single submitter. Criteria: Invitae Variant Classification Sherloc (09022015). Collection method: clinical testing. Allele origin: germline.
Comment: This sequence change replaces lysine with glutamic acid at codon 479 of the BRIP1 protein (p.Lys479Glu). The lysine residue is weakly conserved and there is a small physicochemical difference between lysine and glutamic acid. This variant is not present in population databases (ExAC no frequency). This variant has not been reported in the literature in individuals with BRIP1-related conditions. Algorithms developed to predict the effect of missense changes on protein structure and function (SIFT, PolyPhen-2, Align-GVGD) all suggest that this variant is likely to be tolerated, but these predictions have not been confirmed by published functional studies and their clinical significance is uncertain. In summary, the available evidence is currently insufficient to determine the role of this variant in disease. Therefore, it has been classified as a Variant of Uncertain Significance.

NM_032043.3(BRIP1):c.1435A>G (p.Lys479Glu)

Gene: BRIP1 (BRCA1 interacting DNA helicase 1; minus strand). Cytogenetic location: 17q23.2.
Variant type: single nucleotide variant.
Coding change: c.1435A>G on transcript NM_032043.3 (MANE Select); coding-DNA position 1435, A replaced by G.
Protein change: p.Lys479Glu; replaces lysine 479 with glutamic acid.
Molecular consequence: missense variant.
Genome position (GRCh38, 1-based): chr17:61,793,635, T>C on the plus strand (A>G on the coding strand, the complement: BRIP1 is on the minus strand). VCF-style: chr17-61793635-T-C. GRCh37 (hg19) VCF-style: chr17-59870996-T-C.
Other names: short protein forms K479E.
Identifiers: ClinVar variation 941844 (VCV000941844.11), dbSNP rs2077853790, ClinGen allele CA400482110.